The following is an entry in ClinVar:

NM_138387.4(G6PC3):c.481C>T (p.Arg161Ter)

Gene: G6PC3 (glucose-6-phosphatase catalytic subunit 3; plus strand). Cytogenetic location: 17q21.31.
Variant type: single nucleotide variant.
Coding change: c.481C>T on transcript NM_138387.4 (MANE Select); coding-DNA position 481, C replaced by T.
Protein change: p.Arg161Ter; replaces arginine 161 with a stop codon.
Molecular consequence: nonsense. On other transcripts: intron variant (1).
Genome position (GRCh38, 1-based): chr17:44,075,033, C>T. VCF-style: chr17-44075033-C-T. GRCh37 (hg19) VCF-style: chr17-42152401-C-T.
Other names: c.136C>T, p.Arg46Ter (NM_001384165.1, NM_001384166.1, NM_001384167.1 and 1 more transcripts); c.416+263C>T (NM_001319945.2); short protein forms R161*, R46*.
Identifiers: ClinVar variation 2138049 (VCV002138049.5), dbSNP rs1056739194, ClinGen allele CA290850622.
Genomic context (GRCh38, chr17:44,075,033, plus strand): 5'-TGGGTAAGGGTGATGCCTAGCCTGGCTTATTGCACCTTCCTTTTGGCGGTTGGCTTGTCG[C>T]GAATCTTCATCTTAGCACATTTCCCTCACCAGGTGCTGGCTGGCCTAATAACTGGTGAGC-3'

ClinVar aggregate classification (germline): Pathogenic. Review status: criteria provided, multiple submitters, no conflicts (2 of 4 stars). 3 submissions from 3 submitters: Pathogenic (3). Last evaluated 2025-09-10.

Conditions:
Autosomal recessive severe congenital neutropenia due to G6PC3 deficiency. Also called: NEUTROPENIA, SEVERE CONGENITAL, 4, AUTOSOMAL RECESSIVE; G6PC3 Deficiency. Identifiers: Orphanet 331176, MedGen C2751630, MONDO:0012930, OMIM 612541.

Allele frequency attached by ClinVar (database versions not stated): gnomAD 0.00001; gnomAD exomes 0.00001; TOPMed 0.00001.
gnomAD v4.1: 11 of 1,614,014 alleles (0.00068%); highest among the groups gnomAD compares: Admixed American, 0.0033%; no homozygotes.

Submissions (3):

Genomic Medicine Center of Excellence, King Faisal Specialist Hospital and Research Centre
Classification: Pathogenic for Autosomal recessive severe congenital neutropenia due to G6PC3 deficiency. Last evaluated: 2025-09-10. Review status: criteria provided, single submitter. Criteria: ACMG Guidelines, 2015. Collection method: clinical testing. Allele origin: germline.

3billion
Classification: Pathogenic for Autosomal recessive severe congenital neutropenia due to G6PC3 deficiency. Last evaluated: 2024-10-10. Review status: criteria provided, single submitter. Criteria: ACMG Guidelines, 2015. Collection method: clinical testing. Allele origin: germline. Affected: yes.
Comment: The variant is observed at an extremely low frequency in the gnomAD v4.1.0 dataset (total allele frequency: <0.001%). Predicted Consequence/Location: Stop-gained (nonsense): predicted to result in a loss or disruption of normal protein function through nonsense-mediated decay (NMD) or protein truncation. Multiple pathogenic variants are reported downstream of the variant. The variant has been reported to be associated with G6PC3 related disorder (ClinVar ID: VCV002138049 /PMID: 25491320). Therefore, this variant is classified as Pathogenic according to the recommendation of ACMG/AMP guideline.

Labcorp Genetics (formerly Invitae), Labcorp
Classification: Pathogenic for Autosomal recessive severe congenital neutropenia due to G6PC3 deficiency. Last evaluated: 2024-07-17. Review status: criteria provided, single submitter. Criteria: Invitae Variant Classification Sherloc (09022015). Collection method: clinical testing. Allele origin: germline.
Comment: This sequence change creates a premature translational stop signal (p.Arg161*) in the G6PC3 gene. It is expected to result in an absent or disrupted protein product. Loss-of-function variants in G6PC3 are known to be pathogenic (PMID: 19118303, 25491320). This variant is present in population databases (no rsID available, gnomAD 0.006%). This premature translational stop signal has been observed in individual(s) with severe congenital neutropenia (PMID: 25491320). ClinVar contains an entry for this variant (Variation ID: 2138049). Algorithms developed to predict the effect of sequence changes on RNA splicing suggest that this variant may disrupt the consensus splice site. For these reasons, this variant has been classified as Pathogenic.

Literature cited by the submitters: PubMed 25491320 (cited by 3billion and Labcorp Genetics (formerly Invitae), Labcorp); PubMed 19118303 (cited by Labcorp Genetics (formerly Invitae), Labcorp).